The following is an entry in ClinVar:

NM_172364.5(CACNA2D4):c.2119C>T (p.Arg707Cys)

Gene: CACNA2D4 (calcium voltage-gated channel auxiliary subunit alpha2delta 4; minus strand). Cytogenetic location: 12p13.33.
Variant type: single nucleotide variant.
Coding change: c.2119C>T on transcript NM_172364.5 (MANE Select); coding-DNA position 2119, C replaced by T.
Protein change: p.Arg707Cys; replaces arginine 707 with cysteine.
Molecular consequence: missense variant.
Genome position (GRCh38, 1-based): chr12:1,856,045, G>A on the plus strand (C>T on the coding strand, the complement: CACNA2D4 is on the minus strand). VCF-style: chr12-1856045-G-A. GRCh37 (hg19) VCF-style: chr12-1965211-G-A.
Other names: short protein forms R707C.
Identifiers: ClinVar variation 966167 (VCV000966167.14), dbSNP rs369720566, ClinGen allele CA6386842.

ClinVar aggregate classification (germline): Conflicting classifications of pathogenicity. Review status: criteria provided, conflicting classifications (1 of 4 stars). 5 submissions from 5 submitters: Uncertain significance (4); Likely benign (1). Last evaluated 2026-01-05.

Conditions:
Inborn genetic diseases. Identifiers: MedGen C0950123, MeSH D030342.

Allele frequency attached by ClinVar (database versions not stated): ESP Exome Variant Server 0.00008; TOPMed 0.00009; ExAC 0.00012.
gnomAD v4.1: 124 of 1,613,868 alleles (0.0077%); highest among the groups gnomAD compares: Middle Eastern, 0.12%; no homozygotes.

Submissions (5):

Labcorp Genetics (formerly Invitae), Labcorp
Classification: Uncertain significance. Last evaluated: 2026-01-05. Review status: criteria provided, single submitter. Criteria: Invitae Variant Classification Sherloc (09022015). Collection method: clinical testing. Allele origin: germline.
Comment: This sequence change replaces arginine, which is basic and polar, with cysteine, which is neutral and slightly polar, at codon 707 of the CACNA2D4 protein (p.Arg707Cys). This variant is present in population databases (rs369720566, gnomAD 0.04%). This variant has not been reported in the literature in individuals affected with CACNA2D4-related conditions. ClinVar contains an entry for this variant (Variation ID: 966167). An algorithm developed to predict the effect of missense changes on protein structure and function (PolyPhen-2) suggests that this variant is likely to be tolerated. In summary, the available evidence is currently insufficient to determine the role of this variant in disease. Therefore, it has been classified as a Variant of Uncertain Significance.

Dasa
Classification: Likely benign. Last evaluated: 2025-11-03. Review status: criteria provided, single submitter. Criteria: DASA Assertion Criteria. Collection method: clinical testing. Allele origin: germline.
Comment: NM_172364.5(CACNA2D4):c.2119C>T (p.Arg707Cys) is a missense variant that results in the substitution of arginine with cysteine. The variant context is inconsistent with a known disease-causing mechanism. Computational prediction algorithms are consistent with a benign effect. Therefore, based on the currently available evidence, this variant is classified as likely benign.

Ambry Genetics
Classification: Uncertain significance for Inborn genetic diseases. Last evaluated: 2025-08-24. Review status: criteria provided, single submitter. Criteria: Ambry Variant Classification Scheme 2023. Collection method: clinical testing. Allele origin: germline.

Blueprint Genetics
Classification: Uncertain significance. Last evaluated: 2024-08-16. Review status: criteria provided, single submitter. Criteria: ACMG Guidelines, 2015. Collection method: clinical testing. Allele origin: germline.

Breakthrough Genomics
Classification: Uncertain significance. Review status: criteria provided, single submitter. Criteria: ACMG Guidelines, 2015. Collection method: not provided. Allele origin: germline. Inheritance: Autosomal recessive inheritance. Affected: yes.